The following is an entry in ClinVar:

NM_006231.4(POLE):c.6726C>G (p.Phe2242Leu)

Gene: POLE (DNA polymerase epsilon, catalytic subunit; minus strand). Cytogenetic location: 12q24.33.
Variant type: single nucleotide variant.
Coding change: c.6726C>G on transcript NM_006231.4 (MANE Select); coding-DNA position 6726, C replaced by G.
Protein change: p.Phe2242Leu; replaces phenylalanine 2242 with leucine.
Molecular consequence: missense variant.
Genome position (GRCh38, 1-based): chr12:132,624,926, G>C on the plus strand (C>G on the coding strand, the complement: POLE is on the minus strand). VCF-style: chr12-132624926-G-C. GRCh37 (hg19) VCF-style: chr12-133201512-G-C.
Other names: short protein forms F2242L.
Identifiers: ClinVar variation 970968 (VCV000970968.9), dbSNP rs771312122, ClinGen allele CA387366046.

ClinVar aggregate classification (germline): Uncertain significance (1 of 4 stars; one submission).

Submission:

Labcorp Genetics (formerly Invitae), Labcorp
Classification: Uncertain significance. Last evaluated: 2020-08-06. Review status: criteria provided, single submitter. Criteria: Invitae Variant Classification Sherloc (09022015). Collection method: clinical testing. Allele origin: germline.
Comment: In summary, the available evidence is currently insufficient to determine the role of this variant in disease. Therefore, it has been classified as a Variant of Uncertain Significance. Algorithms developed to predict the effect of missense changes on protein structure and function are either unavailable or do not agree on the potential impact of this missense change (SIFT: "Deleterious"; PolyPhen-2: "Probably Damaging"; Align-GVGD: "Class C0"). This variant has not been reported in the literature in individuals with POLE-related conditions. This variant is not present in population databases (ExAC no frequency). This sequence change replaces phenylalanine with leucine at codon 2242 of the POLE protein (p.Phe2242Leu). The phenylalanine residue is highly conserved and there is a small physicochemical difference between phenylalanine and leucine.